The following is an entry in ClinVar:

NM_000256.3(MYBPC3):c.2599A>G (p.Ile867Val)

Gene: MYBPC3 (myosin binding protein C3; minus strand). Cytogenetic location: 11p11.2.
Variant type: single nucleotide variant.
Coding change: c.2599A>G on transcript NM_000256.3 (MANE Select); coding-DNA position 2599, A replaced by G.
Protein change: p.Ile867Val; replaces isoleucine 867 with valine.
Molecular consequence: missense variant.
Genome position (GRCh38, 1-based): chr11:47,337,394, T>C on the plus strand (A>G on the coding strand, the complement: MYBPC3 is on the minus strand). VCF-style: chr11-47337394-T-C. GRCh37 (hg19) VCF-style: chr11-47358945-T-C.
Other names: c.2599A>G, p.Ile867Val (LRG_386t1); short protein forms I867V.
Identifiers: ClinVar variation 519160 (VCV000519160.18), dbSNP rs768339148, ClinGen allele CA078831.

ClinVar aggregate classification (germline): Uncertain significance. Review status: criteria provided, multiple submitters, no conflicts (2 of 4 stars). 5 submissions from 5 submitters: Uncertain significance (4). 1 of the submissions does not count toward it. Last evaluated 2025-10-25.

Conditions:
Hypertrophic cardiomyopathy. Also called: HYPERTROPHIC MYOCARDIOPATHY. Identifiers: Orphanet 217569, MedGen C0007194, MeSH D002312, MONDO:0005045, HP:0001639.
MYBPC3-related disorder. Also called: MYBPC3-related disorders; MYBPC3-related condition; MYBPC3-related disease.
Cardiovascular phenotype. Identifiers: MedGen CN230736.
Cardiomyopathy (CMYO). Also called: Cardiomyopathies. Identifiers: Orphanet 167848, MedGen C0878544, MONDO:0004994, HP:0001638. Inheritance: Various modes of inheritance.

Allele frequency attached by ClinVar (database versions not stated): gnomAD exomes below 0.00001 and 0.00001; ExAC 0.00001; gnomAD 0.00003; TOPMed 0.00003.
gnomAD v4.1: 12 of 1,583,802 alleles (0.00076%); highest among the groups gnomAD compares: Middle Eastern, 0.017%; no homozygotes.

Submissions (5):

Labcorp Genetics (formerly Invitae), Labcorp
Classification: Uncertain significance for Hypertrophic cardiomyopathy. Last evaluated: 2025-10-25. Review status: criteria provided, single submitter. Criteria: Invitae Variant Classification Sherloc (09022015). Collection method: clinical testing. Allele origin: germline.
Comment: This sequence change replaces isoleucine, which is neutral and non-polar, with valine, which is neutral and non-polar, at codon 867 of the MYBPC3 protein (p.Ile867Val). This variant is present in population databases (rs768339148, gnomAD 0.007%). This variant has not been reported in the literature in individuals affected with MYBPC3-related conditions. ClinVar contains an entry for this variant (Variation ID: 519160). An algorithm developed to predict the effect of missense changes on protein structure and function outputs the following: PolyPhen-2: "Benign". The valine amino acid residue is found in multiple mammalian species, which suggests that this missense change does not adversely affect protein function. In summary, the available evidence is currently insufficient to determine the role of this variant in disease. Therefore, it has been classified as a Variant of Uncertain Significance.

Ambry Genetics
Classification: Uncertain significance for Cardiovascular phenotype. Last evaluated: 2025-07-29. Review status: criteria provided, single submitter. Criteria: Ambry Variant Classification Scheme 2023. Collection method: clinical testing. Allele origin: germline.
Comment: The p.I867V variant (also known as c.2599A>G), located in coding exon 25 of the MYBPC3 gene, results from an A to G substitution at nucleotide position 2599. The isoleucine at codon 867 is replaced by valine, an amino acid with highly similar properties. This amino acid position is not well conserved in available vertebrate species. In addition, this alteration is predicted to be tolerated by in silico analysis. Since supporting evidence is limited at this time, the clinical significance of this alteration remains unclear.

Revvity Omics, Revvity
Classification: Uncertain significance. Last evaluated: 2019-11-14. Review status: criteria provided, single submitter. Criteria: ACMG Guidelines, 2015. Collection method: clinical testing. Allele origin: germline.

CHEO Genetics Diagnostic Laboratory, Children's Hospital of Eastern Ontario
Classification: Uncertain significance for Cardiomyopathy. Last evaluated: 2017-02-16. Review status: criteria provided, single submitter. Criteria: ACMG Guidelines, 2015. Collection method: clinical testing. Allele origin: germline. Study: Canadian Open Genetics Repository.

PreventionGenetics, part of Exact Sciences
Classification: Uncertain significance for MYBPC3-related condition. Last evaluated: 2024-05-31. Review status: no assertion criteria provided. Collection method: clinical testing. Allele origin: germline. Not counted in ClinVar's aggregate classification.
Comment: The MYBPC3 c.2599A>G variant is predicted to result in the amino acid substitution p.Ile867Val. To our knowledge, this variant has not been reported in the literature. This variant is reported in 0.0066% of alleles in individuals of African descent in gnomAD. At this time, the clinical significance of this variant is uncertain due to the absence of conclusive functional and genetic evidence.